The following is an entry in ClinVar:

ClinVar aggregate classification (germline): Uncertain significance. Review status: criteria provided, multiple submitters, no conflicts (2 of 4 stars). 5 submissions from 5 submitters: Uncertain significance (5). Last evaluated 2025-11-18.

Conditions:
FBN1-related disorder. Also called: FBN1-related disorders.
Marfan syndrome (MFS). Also called: Marfan's syndrome; Marfan syndrome, classic; MARFAN SYNDROME, TYPE I; Marfan syndrome type 1; FBN1-Related Marfan Syndrome. Identifiers: Orphanet 284963, Orphanet 558, MedGen C0024796, MONDO:0007947, OMIM 154700.
Familial thoracic aortic aneurysm and aortic dissection (TAAD). Also called: Thoracic aortic aneurysms and dissections. Identifiers: Orphanet 91387, MedGen C4707243, MONDO:0019625.

gnomAD v4.1: 7 of 1,613,048 alleles (0.00043%); highest among the groups gnomAD compares: Non-Finnish European, 0.00051%; no homozygotes.

Submissions (5):

GeneDx
Classification: Uncertain significance. Last evaluated: 2025-11-18. Review status: criteria provided, single submitter. Criteria: GeneDx Variant Classification Process June 2021. Collection method: clinical testing. Allele origin: germline.
Comment: Not observed at significant frequency in large population cohorts (gnomAD); In silico analysis suggests that this missense variant does not alter protein structure/function; Does not affect a cysteine residue within a calcium-binding EGF-like domain or a TGF-binding protein domain of the FBN1 gene; cysteine substitutions in the calcium-binding EGF-like domains represent the majority of pathogenic missense changes associated with FBN1-related disorders (PMID: 12938084); This variant is associated with the following publications: (PMID: 34220303, 12938084, 30087447)

Labcorp Genetics (formerly Invitae), Labcorp
Classification: Uncertain significance for Marfan syndrome; Familial thoracic aortic aneurysm and aortic dissection. Last evaluated: 2025-09-15. Review status: criteria provided, single submitter. Criteria: Invitae Variant Classification Sherloc (09022015). Collection method: clinical testing. Allele origin: germline.
Comment: This sequence change replaces arginine, which is basic and polar, with proline, which is neutral and non-polar, at codon 429 of the FBN1 protein (p.Arg429Pro). This variant is not present in population databases (gnomAD no frequency). This missense change has been observed in individual(s) with Marfan syndrome (PMID: 30087447). ClinVar contains an entry for this variant (Variation ID: 1768977). Invitae Evidence Modeling of protein sequence and biophysical properties (such as structural, functional, and spatial information, amino acid conservation, physicochemical variation, residue mobility, and thermodynamic stability) indicates that this missense variant is not expected to disrupt FBN1 protein function with a negative predictive value of 95%. In summary, the available evidence is currently insufficient to determine the role of this variant in disease. Therefore, it has been classified as a Variant of Uncertain Significance.

Ambry Genetics
Classification: Uncertain significance for Familial thoracic aortic aneurysm and aortic dissection. Last evaluated: 2025-09-02. Review status: criteria provided, single submitter. Criteria: Ambry Variant Classification Scheme 2023. Collection method: clinical testing. Allele origin: germline.
Comment: The p.R429P variant (also known as c.1286G>C), located in coding exon 10 of the FBN1 gene, results from a G to C substitution at nucleotide position 1286. The arginine at codon 429 is replaced by proline, an amino acid with dissimilar properties, and is located in the proline-rich region. This variant was reported to occur with an FBN1 pathogenic variant in an individual from a Marfan syndrome cohort (Aubart M et al. Eur. J. Hum. Genet., 2018 12;26:1759-1772). This amino acid position is highly conserved in available vertebrate species. In addition, the in silico prediction for this alteration is inconclusive. Since supporting evidence is limited at this time, the clinical significance of this alteration remains unclear.

PreventionGenetics, part of Exact Sciences
Classification: Uncertain significance for FBN1-related condition. Last evaluated: 2025-04-30. Review status: criteria provided, single submitter. Criteria: ACMG Guidelines, 2015. Collection method: clinical testing. Allele origin: germline.
Comment: The FBN1 c.1286G>C variant is predicted to result in the amino acid substitution p.Arg429Pro. This variant has been reported in the compound heterozygous state with a pathogenic nonsense variant in an individual with Marfan syndrome (Aubart et al. 2018. PubMed ID: 30087447). This variant has not been reported in a large population database (gnomAD), indicating this variant is rare. At this time, the clinical significance of this variant is uncertain due to the absence of conclusive functional and genetic evidence.

Women's Health and Genetics/Laboratory Corporation of America, LabCorp
Classification: Uncertain significance. Last evaluated: 2024-12-02. Review status: criteria provided, single submitter. Criteria: LabCorp Variant Classification Summary - May 2015. Collection method: clinical testing. Allele origin: germline.
Comment: Variant summary: FBN1 c.1286G>C (p.Arg429Pro) results in a non-conservative amino acid change in the encoded protein sequence. Four of five in-silico tools predict a benign effect of the variant on protein function. The variant was absent in 251256 control chromosomes (gnomAD). The available data on variant occurrences in the general population are insufficient to allow any conclusion about variant significance. c.1286G>C has been reported in the literature in at least an individual affected with Marfan Syndrome (example: Aubart_2018). This report however, does not provide unequivocal conclusions about association of the variant with Marfan Syndrome. To our knowledge, no experimental evidence demonstrating an impact on protein function has been reported. The following publications have been ascertained in the context of this evaluation (PMID: 30087447, 34220303). ClinVar contains an entry for this variant (Variation ID: 1768977). Based on the evidence outlined above, the variant was classified as uncertain significance.

Literature cited by the submitters: PubMed 30087447 (cited by 3 submitters); PubMed 34220303 (cited by Women's Health and Genetics/Laboratory Corporation of America, LabCorp).

NM_000138.5(FBN1):c.1286G>C (p.Arg429Pro)

Gene: FBN1 (fibrillin 1; minus strand). Cytogenetic location: 15q21.1.
Variant type: single nucleotide variant.
Coding change: c.1286G>C on transcript NM_000138.5 (MANE Select); coding-DNA position 1286, G replaced by C.
Protein change: p.Arg429Pro; replaces arginine 429 with proline.
Molecular consequence: missense variant.
Genome position (GRCh38, 1-based): chr15:48,516,224, C>G on the plus strand (G>C on the coding strand, the complement: FBN1 is on the minus strand). VCF-style: chr15-48516224-C-G. GRCh37 (hg19) VCF-style: chr15-48808421-C-G.
Other names: c.1286G>C, p.Arg429Pro (NM_001406716.1); short protein forms R429P.
Identifiers: ClinVar variation 1768977 (VCV001768977.12), dbSNP rs368089138, ClinGen allele CA392345457.
Genomic context (GRCh38, chr15:48,516,224, plus strand): 5'-ATGATTTTTGAATTCTTACTTGGTGGCTCCCGAGATGGATACAGATATTCCACTGGTGGT[C>G]GAGGGACCGGAATTTGAGGTCCAGGAGGAAAGCCAGGAGGAACAGGGAGAACTGGAGGAA-3'
Protein context (NP_000129.3, residues 419-439): FPPGPQIPVP[Arg429Pro]PPVEYLYPSR